The following is an entry in ClinVar:

ClinVar aggregate classification (germline): Likely benign. Review status: criteria provided, single submitter (1 of 4 stars). 2 submissions from 2 submitters: Likely benign (1). 1 of the submissions does not count toward it. Last evaluated 2024-12-23.

Conditions:
EP300-related disorder. Also called: EP300-related condition; EP300-related disorders.
Rubinstein-Taybi syndrome due to EP300 haploinsufficiency. Also called: EP300-Related Rubinstein-Taybi Syndrome; RUBINSTEIN-TAYBI SYNDROME 2. Identifiers: Orphanet 353284, Orphanet 783, MedGen C3150941, MONDO:0013364, OMIM 613684.

Allele frequency attached by ClinVar (database versions not stated): gnomAD exomes below 0.00001; TOPMed below 0.00001; ExAC 0.00001; gnomAD 0.00001.
gnomAD v4.1: 5 of 1,613,920 alleles (0.00031%); highest among the groups gnomAD compares: African/African-American, 0.0013%; no homozygotes.

Submissions (2):

Labcorp Genetics (formerly Invitae), Labcorp
Classification: Likely benign for Rubinstein-Taybi syndrome due to EP300 haploinsufficiency. Last evaluated: 2024-12-23. Review status: criteria provided, single submitter. Criteria: Invitae Variant Classification Sherloc (09022015). Collection method: clinical testing. Allele origin: germline.

PreventionGenetics, part of Exact Sciences
Classification: Likely benign for EP300-related condition. Last evaluated: 2023-07-11. Review status: no assertion criteria provided. Collection method: clinical testing. Allele origin: germline. Not counted in ClinVar's aggregate classification.
Comment: This variant is classified as likely benign based on ACMG/AMP sequence variant interpretation guidelines (Richards et al. 2015 PMID: 25741868, with internal and published modifications).

NM_001429.4(EP300):c.2640C>G (p.Pro880=)

Gene: EP300 (EP300 lysine acetyltransferase; plus strand). Cytogenetic location: 22q13.2.
Variant type: single nucleotide variant.
Coding change: c.2640C>G on transcript NM_001429.4 (MANE Select); coding-DNA position 2640, C replaced by G.
Protein change: p.Pro880=; no amino-acid change (proline 880 retained).
Molecular consequence: synonymous variant.
Genome position (GRCh38, 1-based): chr22:41,150,021, C>G. VCF-style: chr22-41150021-C-G. GRCh37 (hg19) VCF-style: chr22-41546025-C-G.
Other names: c.2562C>G, p.Pro854= (NM_001362843.2).
Identifiers: ClinVar variation 3029139 (VCV003029139.4), dbSNP rs769353664, ClinGen allele CA10252913.